The following is an entry in ClinVar:

ClinVar aggregate classification (germline): Uncertain significance (1 of 4 stars; one submission).

Conditions:
Bardet-Biedl syndrome (BBS). Identifiers: Orphanet 110, MedGen C0752166, MONDO:0015229.
McKusick-Kaufman syndrome (MKKS). Also called: HYDROMETROCOLPOS SYNDROME; HYDROMETROCOLPOS, POSTAXIAL POLYDACTYLY, AND CONGENITAL HEART MALFORMATION. Identifiers: Orphanet 2473, MedGen C0948368, MONDO:0009367, OMIM 236700.

Submission:

Labcorp Genetics (formerly Invitae), Labcorp
Classification: Uncertain significance for McKusick-Kaufman syndrome; Bardet-Biedl syndrome. Last evaluated: 2025-07-07. Review status: criteria provided, single submitter. Criteria: Invitae Variant Classification Sherloc (09022015). Collection method: clinical testing. Allele origin: germline.
Comment: This sequence change replaces valine, which is neutral and non-polar, with phenylalanine, which is neutral and non-polar, at codon 458 of the MKKS protein (p.Val458Phe). This variant is not present in population databases (gnomAD no frequency). This missense change has been observed in individual(s) with clinical features of Bardet-Biedl syndrome (internal data). In at least one individual the data is consistent with being in trans (on the opposite chromosome) from a pathogenic variant. ClinVar contains an entry for this variant (Variation ID: 649205). Invitae Evidence Modeling of protein sequence and biophysical properties (such as structural, functional, and spatial information, amino acid conservation, physicochemical variation, residue mobility, and thermodynamic stability) has been performed for this missense variant. However, the output from this modeling did not meet the statistical confidence thresholds required to predict the impact of this variant on MKKS protein function. In summary, the available evidence is currently insufficient to determine the role of this variant in disease. Therefore, it has been classified as a Variant of Uncertain Significance.

NM_170784.3(MKKS):c.1372G>T (p.Val458Phe)

Gene: MKKS (MKKS centrosomal shuttling protein; minus strand). Cytogenetic location: 20p12.2.
Variant type: single nucleotide variant.
Coding change: c.1372G>T on transcript NM_170784.3 (MANE Select); coding-DNA position 1372, G replaced by T.
Protein change: p.Val458Phe; replaces valine 458 with phenylalanine.
Molecular consequence: missense variant. On other transcripts: non-coding transcript variant (1).
Genome position (GRCh38, 1-based): chr20:10,405,588, C>A on the plus strand (G>T on the coding strand, the complement: MKKS is on the minus strand). VCF-style: chr20-10405588-C-A. GRCh37 (hg19) VCF-style: chr20-10386236-C-A.
Other names: c.1372G>T, p.Val458Phe (NM_018848.3); short protein forms V458F.
Identifiers: ClinVar variation 649205 (VCV000649205.10), dbSNP rs1600843195, ClinGen allele CA408231045.